The following is an entry in ClinVar:

NM_000046.5(ARSB):c.572G>A (p.Arg191Gln)

Gene: ARSB (arylsulfatase B; minus strand). Cytogenetic location: 5q14.1.
Variant type: single nucleotide variant.
Coding change: c.572G>A on transcript NM_000046.5 (MANE Select); coding-DNA position 572, G replaced by A.
Protein change: p.Arg191Gln; replaces arginine 191 with glutamine.
Molecular consequence: missense variant.
Genome position (GRCh38, 1-based): chr5:78,964,534, C>T on the plus strand (G>A on the coding strand, the complement: ARSB is on the minus strand). VCF-style: chr5-78964534-C-T. GRCh37 (hg19) VCF-style: chr5-78260357-C-T.
Other names: c.572G>A, p.Arg191Gln (NM_198709.3); short protein forms R191Q.
Identifiers: ClinVar variation 1413956 (VCV001413956.5), dbSNP rs760875018, ClinGen allele CA3318227.
Genomic context (GRCh38, chr5:78,964,534, plus strand): 5'-GAATACATATTTTTATATCCTGTTGCAACTTCTTCGCCATCTCGAAAATCAAGAGCACAT[C>T]GTGTGACATTCAGAGCGTCAATTAATGTACAGCGTTCATGGGAATAATAATCTTCACTAC-3'
Protein context (NP_000037.2, residues 181-201): CTLIDALNVT[Arg191Gln]CALDFRDGEE

ClinVar aggregate classification (germline): Uncertain significance (1 of 4 stars; one submission).

Conditions:
Mucopolysaccharidosis type 6 (MPS6). Also called: ARSB DEFICIENCY; ARYLSULFATASE B DEFICIENCY; N-ACETYLGALACTOSAMINE-4-SULFATASE DEFICIENCY; MPS VI; MPS 6; Maroteaux Lamy syndrome. Identifiers: Orphanet 583, MedGen C0026709, MONDO:0009661, OMIM 253200.

Allele frequency attached by ClinVar (database versions not stated): ExAC 0.00001; gnomAD exomes 0.00001.
gnomAD v4.1: 9 of 1,613,982 alleles (0.00056%); highest among the groups gnomAD compares: East Asian, 0.011%; no homozygotes.

Submission:

Labcorp Genetics (formerly Invitae), Labcorp
Classification: Uncertain significance for Mucopolysaccharidosis type 6. Last evaluated: 2022-02-02. Review status: criteria provided, single submitter. Criteria: Invitae Variant Classification Sherloc (09022015). Collection method: clinical testing. Allele origin: germline.
Comment: This sequence change replaces arginine, which is basic and polar, with glutamine, which is neutral and polar, at codon 191 of the ARSB protein (p.Arg191Gln). This variant is present in population databases (rs760875018, gnomAD 0.0009%). This variant has not been reported in the literature in individuals affected with ARSB-related conditions. Advanced modeling of protein sequence and biophysical properties (such as structural, functional, and spatial information, amino acid conservation, physicochemical variation, residue mobility, and thermodynamic stability) performed at Invitae indicates that this missense variant is not expected to disrupt ARSB protein function. In summary, the available evidence is currently insufficient to determine the role of this variant in disease. Therefore, it has been classified as a Variant of Uncertain Significance.